The following is an entry in ClinVar:

NM_001165967.2(HES7):c.43-3C>T

Gene: HES7 (hes family bHLH transcription factor 7; minus strand). Cytogenetic location: 17p13.1.
Variant type: single nucleotide variant.
Coding change: c.43-3C>T on transcript NM_001165967.2 (MANE Select); 3 bases into the intron before coding-DNA position 43, C replaced by T.
Molecular consequence: intron variant.
Genome position (GRCh38, 1-based): chr17:8,123,129, G>A on the plus strand (C>T on the coding strand, the complement: HES7 is on the minus strand). VCF-style: chr17-8123129-G-A. GRCh37 (hg19) VCF-style: chr17-8026447-G-A.
Other names: c.43-3C>T (NM_032580.4).
Identifiers: ClinVar variation 2120638 (VCV002120638.4), dbSNP rs2507863635, ClinGen allele CA2580094906.

ClinVar aggregate classification (germline): Uncertain significance (1 of 4 stars; one submission).

Submission:

Labcorp Genetics (formerly Invitae), Labcorp
Classification: Uncertain significance. Last evaluated: 2022-07-03. Review status: criteria provided, single submitter. Criteria: Invitae Variant Classification Sherloc (09022015). Collection method: clinical testing. Allele origin: germline.
Comment: In summary, the available evidence is currently insufficient to determine the role of this variant in disease. Therefore, it has been classified as a Variant of Uncertain Significance. Variants that disrupt the consensus splice site are a relatively common cause of aberrant splicing (PMID: 17576681, 9536098). Algorithms developed to predict the effect of sequence changes on RNA splicing suggest that this variant is not likely to affect RNA splicing. This variant has not been reported in the literature in individuals affected with HES7-related conditions. This variant is not present in population databases (gnomAD no frequency). This sequence change falls in intron 1 of the HES7 gene. It does not directly change the encoded amino acid sequence of the HES7 protein. It affects a nucleotide within the consensus splice site.

Literature cited by the submitters: PubMed 17576681; PubMed 9536098.